The following is an entry in ClinVar:

ClinVar aggregate classification (germline): Conflicting classifications of pathogenicity. Review status: criteria provided, conflicting classifications (1 of 4 stars). 6 submissions from 6 submitters: Uncertain significance (5); Likely benign (1). Last evaluated 2025-11-01.

Conditions:
Autosomal recessive spinocerebellar ataxia 15. Also called: SALIH ATAXIA. Identifiers: Orphanet 404499, MedGen C3810326, MONDO:0014311, OMIM 615705.

Allele frequency attached by ClinVar (database versions not stated): 1000 Genomes Project 0.00020; 1000 Genomes Project 30x 0.00031; TOPMed 0.00056; gnomAD 0.00060 and 0.00061; gnomAD exomes 0.00061 and 0.00102; ExAC 0.00071; ESP Exome Variant Server 0.00119.
gnomAD v4.1: 1,615 of 1,614,102 alleles (0.1%); highest among the groups gnomAD compares: Non-Finnish European, 0.13%; 2 homozygotes.

Submissions (7):

CeGaT Center for Human Genetics Tuebingen
Classification: Likely benign. Last evaluated: 2025-11-01. Review status: criteria provided, single submitter. Criteria: CeGaT Center For Human Genetics Tuebingen Variant Classification Criteria Version 2. Collection method: clinical testing. Allele origin: germline. Affected: yes. Observed: 4 variant alleles.
Comment: RUBCN: PP2, BS2

Blueprint Genetics
Classification: Uncertain significance. Last evaluated: 2024-11-26. Review status: criteria provided, single submitter. Criteria: ACMG Guidelines, 2015. Collection method: clinical testing. Allele origin: germline.

Mayo Clinic Laboratories, Mayo Clinic
Classification: Uncertain significance. Last evaluated: 2024-11-21. Review status: criteria provided, single submitter. Criteria: ACMG Guidelines, 2015. Collection method: clinical testing. Allele origin: germline. Observed: 1 variant allele.

GeneDx
Classification: Uncertain significance. Last evaluated: 2023-07-18. Review status: criteria provided, single submitter. Criteria: GeneDx Variant Classification Process June 2021. Collection method: clinical testing. Allele origin: germline. Affected: yes.
Comment: In silico analysis supports that this missense variant has a deleterious effect on protein structure/function; Has not been previously published as pathogenic or benign to our knowledge

Molecular Genetics, Royal Melbourne Hospital
Classification: Uncertain significance for Autosomal recessive spinocerebellar ataxia 15. Last evaluated: 2020-11-20. Review status: criteria provided, single submitter. Criteria: ACMG Guidelines, 2015. Collection method: clinical testing. Allele origin: germline.
Comment: This sequence change is predicted to replace glutamic acid with valine at codon 692 of the RUBCN protein (p.Glu692Val). The glutamic acid residue is evolutionary invariant (100 vertebrates, UCSC), and is not located in a known functional domain. There is a large physicochemical difference between glutamic acid and valine. The variant is present in a large population cohort at a frequency of 0.06% (rs201343662, 162/280,916 alleles, 0 homozygotes in gnomAD v2.1). The variant has not been reported in the relevant medical literature and has been reported as a VUS in ClinVar (ClinVar ID: 809598). Multiple lines of computational evidence predict a deleterious effect for the missense substitution (PP3; 6/6 algorithms). Based on the classification scheme RMH ACMG Guidelines v1.2.1, this variant is classified as VARIANT OF UNCERTAIN SIGNIFICANCE. Following criteria are met: PP3.

Baylor Genetics
Classification: Uncertain significance for Autosomal recessive spinocerebellar ataxia 15. Last evaluated: 2019-09-20. Review status: criteria provided, single submitter. Criteria: ACMG Guidelines, 2015. Collection method: clinical testing. Allele origin: unknown. Affected: yes.
Comment: This variant was determined to be of uncertain significance according to ACMG Guidelines, 2015 [PMID:25741868].

Dr. Peter K. Rogan Lab, Western University
No classification provided (evidence only). Condition: Sarcoma. Review status: no classification provided. Collection method: in vitro. Allele origin: not applicable. Functional consequence: retained intron. Not counted in ClinVar's aggregate classification.

NM_014687.4(RUBCN):c.2075A>T (p.Glu692Val)

Gene: RUBCN (rubicon autophagy regulator; minus strand). Cytogenetic location: 3q29.
Variant type: single nucleotide variant.
Coding change: c.2075A>T on transcript NM_014687.4 (MANE Select); coding-DNA position 2075, A replaced by T.
Protein change: p.Glu692Val; replaces glutamic acid 692 with valine.
Molecular consequence: missense variant.
Genome position (GRCh38, 1-based): chr3:197,682,521, T>A on the plus strand (A>T on the coding strand, the complement: RUBCN is on the minus strand). VCF-style: chr3-197682521-T-A. GRCh37 (hg19) VCF-style: chr3-197409392-T-A.
Other names: NC_000003.11:g.197409392T>A; p.Glu647Val; c.1940A>T (NM_001145642.3, NM_001145642.4); c.1940A>T, p.Glu647Val (NM_001145642.5); c.2192A>T, p.Glu731Val (NM_001346873.2); short protein forms E647V, E692V, E731V.
Identifiers: ClinVar variation 809598 (VCV000809598.47), dbSNP rs201343662, ClinGen allele CA2786692.